The following is an entry in ClinVar:

NM_001166108.2(PALLD):c.430G>A (p.Gly144Ser)

Gene: PALLD (palladin, cytoskeletal associated protein; plus strand). Cytogenetic location: 4q32.3.
Variant type: single nucleotide variant.
Coding change: c.430G>A on transcript NM_001166108.2 (MANE Select); coding-DNA position 430, G replaced by A.
Protein change: p.Gly144Ser; replaces glycine 144 with serine.
Molecular consequence: missense variant.
Genome position (GRCh38, 1-based): chr4:168,511,934, G>A. VCF-style: chr4-168511934-G-A. GRCh37 (hg19) VCF-style: chr4-169433085-G-A.
Other names: c.430G>A, p.Gly144Ser (NM_016081.4); short protein forms G144S.
Identifiers: ClinVar variation 3226814 (VCV003226814.1), dbSNP rs2531432330, ClinGen allele CA358726002.
Genomic context (GRCh38, chr4:168,511,934, plus strand): 5'-ATGTCACCCCTGCTCACCAGGCCCAGCTACATCCGGAGCCTCCGAAAGGCTGAAAAGCGT[G>A]GTGCAAAAACTCCCAGCACAAACGTAAAGCCCAAAACGCCACATCAAAGAAAGGGTGGCC-3'
Protein context (NP_001159580.1, residues 134-154): IRSLRKAEKR[Gly144Ser]AKTPSTNVKP

ClinVar aggregate classification (germline): Uncertain significance (1 of 4 stars; one submission).

Submission:

Ambry Genetics
Classification: Uncertain significance. Last evaluated: 2024-02-22. Review status: criteria provided, single submitter. Criteria: Ambry Variant Classification Scheme 2023. Collection method: clinical testing. Allele origin: germline.
Comment: The p.G144S variant (also known as c.430G>A), located in coding exon 1 of the PALLD gene, results from a G to A substitution at nucleotide position 430. The glycine at codon 144 is replaced by serine, an amino acid with similar properties. This amino acid position is conserved. In addition, this alteration is predicted to be tolerated by in silico analysis. Based on the available evidence, the clinical significance of this alteration remains unclear.